The following is an entry in ClinVar:

NM_004304.5(ALK):c.1979C>A (p.Pro660Gln)

Gene: ALK (ALK receptor tyrosine kinase; minus strand). Cytogenetic location: 2p23.2.
Variant type: single nucleotide variant.
Coding change: c.1979C>A on transcript NM_004304.5 (MANE Select); coding-DNA position 1979, C replaced by A.
Protein change: p.Pro660Gln; replaces proline 660 with glutamine.
Molecular consequence: missense variant.
Genome position (GRCh38, 1-based): chr2:29,275,161, G>T on the plus strand (C>A on the coding strand, the complement: ALK is on the minus strand). VCF-style: chr2-29275161-G-T. GRCh37 (hg19) VCF-style: chr2-29498027-G-T.
Other names: c.1979C>A (NM_004304.4); short protein forms P660Q.
Identifiers: ClinVar variation 3586400 (VCV003586400.2).

ClinVar aggregate classification (germline): Uncertain significance. Review status: criteria provided, multiple submitters, no conflicts (2 of 4 stars). 2 submissions from 2 submitters: Uncertain significance (2). Last evaluated 2024-12-25.

Conditions:
Hereditary cancer-predisposing syndrome. Also called: Tumor predisposition; Hereditary Cancer Syndrome; Hereditary neoplastic syndrome; Neoplastic Syndromes, Hereditary. Identifiers: Orphanet 140162, MedGen C0027672, MeSH D009386, MONDO:0015356.
Neuroblastoma, susceptibility to, 3. Also called: ALK-Related Neuroblastic Tumor Susceptibility. Identifiers: Orphanet 635, MedGen C2751681, MONDO:0013083, OMIM 613014.

Submissions (2):

Ambry Genetics
Classification: Uncertain significance for Hereditary cancer-predisposing syndrome. Last evaluated: 2024-12-25. Review status: criteria provided, single submitter. Criteria: Ambry Variant Classification Scheme 2023. Collection method: clinical testing. Allele origin: germline.
Comment: The p.P660Q variant (also known as c.1979C>A), located in coding exon 11 of the ALK gene, results from a C to A substitution at nucleotide position 1979. The proline at codon 660 is replaced by glutamine, an amino acid with similar properties. This amino acid position is conserved. In addition, this alteration is predicted to be tolerated by in silico analysis. Based on the available evidence, the clinical significance of this variant remains unclear.

Fulgent Genetics
Classification: Uncertain significance for Neuroblastoma, susceptibility to, 3. Last evaluated: 2024-01-11. Review status: criteria provided, single submitter. Criteria: ACMG Guidelines, 2015. Collection method: clinical testing. Allele origin: germline.